The following is an entry in ClinVar:

ClinVar aggregate classification (germline): Uncertain significance (1 of 4 stars; one submission).

Conditions:
Neuropathy, hereditary sensory and autonomic, type 2A (HSAN2A). Also called: ACROOSTEOLYSIS, GIACCAI TYPE; ACROOSTEOLYSIS, NEUROGENIC; MORVAN DISEASE; NEUROPATHY, CONGENITAL SENSORY; NEUROPATHY, HEREDITARY SENSORY RADICULAR, AUTOSOMAL RECESSIVE; NEUROPATHY, HEREDITARY SENSORY, TYPE IIA. Identifiers: Orphanet 970, MedGen C2752089, MONDO:0024309, OMIM 201300.
Pseudohypoaldosteronism type 2C (PHA2C). Also called: Pseudohypoaldosteronism Type IIC. Identifiers: Orphanet 757, Orphanet 88940, MedGen C1840391, MONDO:0013778, OMIM 614492.

Allele frequency attached by ClinVar (database versions not stated): gnomAD exomes below 0.00001.
gnomAD v4.1: 4 of 1,609,352 alleles (0.00025%); highest among the groups gnomAD compares: East Asian, 0.0022%; no homozygotes.

Submission:

Labcorp Genetics (formerly Invitae), Labcorp
Classification: Uncertain significance for Neuropathy, hereditary sensory and autonomic, type 2A; Pseudohypoaldosteronism type 2C. Last evaluated: 2025-11-03. Review status: criteria provided, single submitter. Criteria: Invitae Variant Classification Sherloc (09022015). Collection method: clinical testing. Allele origin: germline.
Comment: This sequence change replaces aspartic acid, which is acidic and polar, with asparagine, which is neutral and polar, at codon 2314 of the WNK1 protein (p.Asp2314Asn). This variant is not present in population databases (gnomAD no frequency). This variant has not been reported in the literature in individuals affected with WNK1-related conditions. ClinVar contains an entry for this variant (Variation ID: 1434304). Invitae Evidence Modeling of protein sequence and biophysical properties (such as structural, functional, and spatial information, amino acid conservation, physicochemical variation, residue mobility, and thermodynamic stability) indicates that this missense variant is not expected to disrupt WNK1 protein function with a negative predictive value of 95%. In summary, the available evidence is currently insufficient to determine the role of this variant in disease. Therefore, it has been classified as a Variant of Uncertain Significance.

NM_018979.4(WNK1):c.6184G>A (p.Asp2062Asn)

Gene: WNK1 (WNK lysine deficient protein kinase 1; plus strand). Cytogenetic location: 12p13.33.
Variant type: single nucleotide variant.
Coding change: c.6184G>A on transcript NM_018979.4 (MANE Select); coding-DNA position 6184, G replaced by A.
Protein change: p.Asp2062Asn; replaces aspartic acid 2062 with asparagine.
Molecular consequence: missense variant.
Genome position (GRCh38, 1-based): chr12:896,671, G>A. VCF-style: chr12-896671-G-A. GRCh37 (hg19) VCF-style: chr12-1005837-G-A.
Other names: c.6964G>A, p.Asp2322Asn (NM_001184985.2); c.5440G>A, p.Asp1814Asn (NM_014823.3); c.6940G>A, p.Asp2314Asn (NM_213655.5); short protein forms D2322N, D2314N, D2062N, D1814N.
Identifiers: ClinVar variation 1434304 (VCV001434304.8), dbSNP rs756976875, ClinGen allele CA383336862.
Genomic context (GRCh38, chr12:896,671, plus strand): 5'-CCTAGCCAGAATCTAAGTCAAAGCCTTAGTAATTCATTTAACTCCTCTTACATGAGTAGC[G>A]ACAATGAGTCAGATATCGAAGATGAAGACTTAAAGTTAGAGCTGCGACGACTACGAGATA-3'
Protein context (NP_061852.3, residues 2052-2072): NSFNSSYMSS[Asp2062Asn]NESDIEDEDL